The following is an entry in ClinVar:

NM_015164.4(PLEKHM2):c.2406G>T (p.Gly802=)

Gene: PLEKHM2 (pleckstrin homology and RUN domain containing M2; plus strand). Cytogenetic location: 1p36.21.
Variant type: single nucleotide variant.
Coding change: c.2406G>T on transcript NM_015164.4 (MANE Select); coding-DNA position 2406, G replaced by T.
Protein change: p.Gly802=; no amino-acid change (glycine 802 retained).
Molecular consequence: synonymous variant.
Genome position (GRCh38, 1-based): chr1:15,731,198, G>T. VCF-style: chr1-15731198-G-T. GRCh37 (hg19) VCF-style: chr1-16057693-G-T.
Identifiers: ClinVar variation 478085 (VCV000478085.13), dbSNP rs116565708, ClinGen allele CA617238.

ClinVar aggregate classification (germline): Benign. Review status: criteria provided, single submitter (1 of 4 stars). 2 submissions from 2 submitters: Benign (1). 1 of the submissions does not count toward it. Last evaluated 2026-01-11.

Conditions:
PLEKHM2-related disorder. Also called: PLEKHM2-related condition.

Allele frequency attached by ClinVar (database versions not stated): gnomAD exomes 0.00008 and 0.00016; ExAC 0.00042; 1000 Genomes Project 30x 0.00062; 1000 Genomes Project 0.00080; gnomAD 0.00087 and 0.00093; TOPMed 0.00105; ESP Exome Variant Server 0.00120.
gnomAD v4.1: 257 of 1,596,946 alleles (0.016%); highest among the groups gnomAD compares: African/African-American, 0.31%; 1 homozygote.

Submissions (2):

Labcorp Genetics (formerly Invitae), Labcorp
Classification: Benign. Last evaluated: 2026-01-11. Review status: criteria provided, single submitter. Criteria: Invitae Variant Classification Sherloc (09022015). Collection method: clinical testing. Allele origin: germline.

PreventionGenetics, part of Exact Sciences
Classification: Likely benign for PLEKHM2-related condition. Last evaluated: 2021-01-18. Review status: no assertion criteria provided. Collection method: clinical testing. Allele origin: germline. Not counted in ClinVar's aggregate classification.
Comment: This variant is classified as likely benign based on ACMG/AMP sequence variant interpretation guidelines (Richards et al. 2015 PMID: 25741868, with internal and published modifications).